The following is an entry in ClinVar:

ClinVar aggregate classification (germline): Conflicting classifications of pathogenicity. Review status: criteria provided, conflicting classifications (1 of 4 stars). 4 submissions from 4 submitters: Uncertain significance (1); Likely benign (2). 1 of the submissions does not count toward it. Last evaluated 2026-01-23.

Conditions:
FAT4-related disorder. Also called: FAT4-related condition.

Allele frequency attached by ClinVar (database versions not stated): gnomAD 0.00007 and 0.00009; TOPMed 0.00020; gnomAD exomes 0.00027 and 0.00059; ExAC 0.00058.
gnomAD v4.1: 170 of 1,608,950 alleles (0.011%); highest among the groups gnomAD compares: Admixed American, 0.28%; no homozygotes.

Submissions (4):

Labcorp Genetics (formerly Invitae), Labcorp
Classification: Likely benign. Last evaluated: 2026-01-23. Review status: criteria provided, single submitter. Criteria: Invitae Variant Classification Sherloc (09022015). Collection method: clinical testing. Allele origin: germline.

GeneDx
Classification: Likely benign. Last evaluated: 2021-06-26. Review status: criteria provided, single submitter. Criteria: GeneDx Variant Classification Process June 2021. Collection method: clinical testing. Allele origin: germline. Affected: yes.

Genetic Services Laboratory, University of Chicago
Classification: Uncertain significance. Last evaluated: 2018-11-08. Review status: criteria provided, single submitter. Criteria: ACMG Guidelines, 2015. Collection method: clinical testing. Allele origin: germline. Affected: no.

PreventionGenetics, part of Exact Sciences
Classification: Likely benign for FAT4-related condition. Last evaluated: 2022-09-27. Review status: no assertion criteria provided. Collection method: clinical testing. Allele origin: germline. Not counted in ClinVar's aggregate classification.
Comment: This variant is classified as likely benign based on ACMG/AMP sequence variant interpretation guidelines (Richards et al. 2015 PMID: 25741868, with internal and published modifications).

NM_001291303.3(FAT4):c.7813A>G (p.Ile2605Val)

Gene: FAT4 (FAT atypical cadherin 4; plus strand). Cytogenetic location: 4q28.1.
Variant type: single nucleotide variant.
Coding change: c.7813A>G on transcript NM_001291303.3 (MANE Select); coding-DNA position 7813, A replaced by G.
Protein change: p.Ile2605Val; replaces isoleucine 2605 with valine.
Molecular consequence: missense variant.
Genome position (GRCh38, 1-based): chr4:125,448,823, A>G. VCF-style: chr4-125448823-A-G. GRCh37 (hg19) VCF-style: chr4-126369978-A-G.
Other names: c.7813A>G, p.Ile2605Val (NM_001291285.3); c.7807A>G, p.Ile2603Val (NM_024582.6); c.7813A>G (NM_001291303.1); short protein forms I2603V, I2605V.
Identifiers: ClinVar variation 517910 (VCV000517910.17), dbSNP rs745697037, ClinGen allele CA3073261.
Genomic context (GRCh38, chr4:125,448,823, plus strand): 5'-AGCTCTCTTGTCACCACCATCACAGGATCCTCTTTAAGAGGAGAACCTATGTCATATTAT[A>G]TCGCAAGTGGGAATCTTGGCAATACTTTCCAGATTGATCAGTTAACAGGGCAGGTGTCTA-3'
Protein context (NP_001278232.1, residues 2595-2615): SLRGEPMSYY[Ile2605Val]ASGNLGNTFQ